The following is an entry in ClinVar:

ClinVar aggregate classification (germline): Pathogenic (1 of 4 stars; one submission).

Conditions:
Hereditary cancer-predisposing syndrome. Also called: Tumor predisposition; Hereditary Cancer Syndrome; Neoplastic Syndromes, Hereditary; Hereditary neoplastic syndrome. Identifiers: Orphanet 140162, MedGen C0027672, MeSH D009386, MONDO:0015356.

Submission:

Ambry Genetics
Classification: Pathogenic for Hereditary cancer-predisposing syndrome. Last evaluated: 2025-10-17. Review status: criteria provided, single submitter. Criteria: Ambry Variant Classification Scheme 2023. Collection method: clinical testing. Allele origin: germline.
Comment: The c.2861delT pathogenic mutation, located in coding exon 9 of the BRCA1 gene, results from a deletion of one nucleotide at nucleotide position 2861, causing a translational frameshift with a predicted alternate stop codon (p.L954Hfs*46). This variant is considered to be rare based on population cohorts in the Genome Aggregation Database (gnomAD). This alteration is expected to result in loss of function by premature protein truncation or nonsense-mediated mRNA decay. As such, this alteration is interpreted as a disease-causing mutation.

NM_007294.4(BRCA1):c.2861del (p.Leu954fs)

Gene: BRCA1 (BRCA1 DNA repair associated; minus strand). Cytogenetic location: 17q21.31.
Variant type: Deletion.
Coding change: c.2861del on transcript NM_007294.4 (MANE Select); coding-DNA position 2861, one base deleted (T; older notation c.2861delT).
Protein change: p.Leu954fs; shifts the reading frame from leucine 954.
Molecular consequence: frameshift variant. On other transcripts: intron variant (137).
Genome position (GRCh38, 1-based): chr17:43,092,670, A deleted on the plus strand (T on the coding strand, the reverse complement: BRCA1 is on the minus strand). VCF-style (leftmost placement, unchanged base first): chr17-43092669-TA-T. GRCh37 (hg19) VCF-style: chr17-41244686-TA-T.
Other names: c.788-1638del (NM_001408472.1, NM_001407974.1, NM_001407990.1 and 17 more transcripts); c.2597del, p.Leu866fs (NM_001407935.1, NM_001407920.1, NM_001407921.1 and 9 more transcripts); c.2594del, p.Leu865fs (NM_001407936.1, NM_001407930.1, NM_001407931.1 and 2 more transcripts); c.2738del, p.Leu913fs (NM_001407937.1, NM_001407938.1, NM_001407939.1 and 19 more transcripts); c.788-531del (NM_001407969.1, NM_001407968.1); c.2735del, p.Leu912fs (NM_001407941.1, NM_001407940.1, NM_001407649.1 and 11 more transcripts); c.2720del, p.Leu907fs (NM_001407945.1, NM_001407942.1, NM_001407944.1 and 29 more transcripts); c.2717del, p.Leu906fs (NM_001407943.1, NM_001407964.1, NM_001407740.1 and 20 more transcripts); and 41 more; short protein forms L907fs, L954fs, L843fs, L865fs, L887fs, L913fs, L927fs, L928fs.
Identifiers: ClinVar variation 821916 (VCV000821916.6), dbSNP rs1597867214, ClinGen allele CA915950037.